The following is an entry in ClinVar:

ClinVar aggregate classification (germline): Pathogenic (1 of 4 stars; one submission).

Conditions:
Mitochondrial complex V (ATP synthase) deficiency, nuclear type 2. Also called: Nuclear-Encoded ATPase Deficiency, TMEM70-Related; ENCEPHALOCARDIOMYOPATHY, MITOCHONDRIAL, NEONATAL, DUE TO ATP SYNTHASE DEFICIENCY; MITOCHONDRIAL COMPLEX V (ATP SYNTHASE) DEFICIENCY, TMEM70 TYPE. Identifiers: Orphanet 1194, MedGen C3279699, MONDO:0013546, OMIM 614052.

Allele frequency attached by ClinVar (database versions not stated): gnomAD 0.00001; gnomAD exomes 0.00001; TOPMed 0.00002.
gnomAD v4.1: 20 of 1,614,026 alleles (0.0012%); highest among the groups gnomAD compares: African/African-American, 0.0027%; no homozygotes.

Submission:

Labcorp Genetics (formerly Invitae), Labcorp
Classification: Pathogenic for Mitochondrial complex V (ATP synthase) deficiency, nuclear type 2. Last evaluated: 2023-10-23. Review status: criteria provided, single submitter. Criteria: Invitae Variant Classification Sherloc (09022015). Collection method: clinical testing. Allele origin: germline.
Comment: This sequence change creates a premature translational stop signal (p.Arg169*) in the TMEM70 gene. While this is not anticipated to result in nonsense mediated decay, it is expected to disrupt the last 92 amino acid(s) of the TMEM70 protein. This variant is present in population databases (no rsID available, gnomAD 0.01%). This variant has not been reported in the literature in individuals affected with TMEM70-related conditions. This variant disrupts a region of the TMEM70 protein in which other variant(s) (p.Thr193Serfs*6) have been determined to be pathogenic (PMID: 21147908). This suggests that this is a clinically significant region of the protein, and that variants that disrupt it are likely to be disease-causing. For these reasons, this variant has been classified as Pathogenic.

Literature cited by the submitters: PubMed 21147908.

NM_017866.6(TMEM70):c.505C>T (p.Arg169Ter)

Gene: TMEM70 (transmembrane protein 70; plus strand). Cytogenetic location: 8q21.11.
Variant type: single nucleotide variant.
Coding change: c.505C>T on transcript NM_017866.6 (MANE Select); coding-DNA position 505, C replaced by T.
Protein change: p.Arg169Ter; replaces arginine 169 with a stop codon.
Molecular consequence: nonsense. On other transcripts: 3 prime UTR variant (1), non-coding transcript variant (1).
Genome position (GRCh38, 1-based): chr8:73,981,343, C>T. VCF-style: chr8-73981343-C-T. GRCh37 (hg19) VCF-style: chr8-74893578-C-T.
Other names: c.*195C>T (NM_001040613.3); short protein forms R169*.
Identifiers: ClinVar variation 2914675 (VCV002914675.3), dbSNP rs980904190, ClinGen allele CA371490134.